The following is an entry in ClinVar:

ClinVar aggregate classification (germline): Conflicting classifications of pathogenicity. Review status: criteria provided, conflicting classifications (1 of 4 stars). 3 submissions from 3 submitters: Uncertain significance (1); Likely benign (2). Last evaluated 2025-04-23.

Conditions:
RAI1-related disorder. Also called: RAI1-related condition.

Allele frequency attached by ClinVar (database versions not stated): gnomAD 0.00001; gnomAD exomes 0.00001 and 0.00002; ExAC 0.00002; TOPMed 0.00003.
gnomAD v4.1: 10 of 1,612,614 alleles (0.00062%); highest among the groups gnomAD compares: East Asian, 0.016%; no homozygotes.

Submissions (3):

PreventionGenetics, part of Exact Sciences
Classification: Likely benign for RAI1-related condition. Last evaluated: 2025-04-23. Review status: criteria provided, single submitter. Criteria: ACMG Guidelines, 2015. Collection method: clinical testing. Allele origin: germline.
Comment: This variant is classified as likely benign based on ACMG/AMP sequence variant interpretation guidelines (Richards et al. 2015 PMID: 25741868, with internal and published modifications).

Labcorp Genetics (formerly Invitae), Labcorp
Classification: Likely benign. Last evaluated: 2022-06-22. Review status: criteria provided, single submitter. Criteria: Invitae Variant Classification Sherloc (09022015). Collection method: clinical testing. Allele origin: germline.

Eurofins Ntd Llc (ga)
Classification: Uncertain significance. Last evaluated: 2015-09-25. Review status: criteria provided, single submitter. Criteria: EGL Classification Definitions 2015. Collection method: clinical testing. Allele origin: germline. Observed: 1 variant allele, 1 heterozygote.

NM_030665.4(RAI1):c.3720C>T (p.Val1240=)

Gene: RAI1 (retinoic acid induced 1; plus strand). Cytogenetic location: 17p11.2.
Variant type: single nucleotide variant.
Coding change: c.3720C>T on transcript NM_030665.4 (MANE Select); coding-DNA position 3720, C replaced by T.
Protein change: p.Val1240=; no amino-acid change (valine 1240 retained).
Molecular consequence: synonymous variant.
Genome position (GRCh38, 1-based): chr17:17,796,668, C>T. VCF-style: chr17-17796668-C-T. GRCh37 (hg19) VCF-style: chr17-17699982-C-T.
Other names: c.3720C>T (NM_030665.3).
Identifiers: ClinVar variation 283163 (VCV000283163.12), dbSNP rs778274557, ClinGen allele CA8418797.